The following is an entry in ClinVar:

ClinVar aggregate classification (germline): Pathogenic. Review status: criteria provided, single submitter (1 of 4 stars). 2 submissions from 2 submitters: Pathogenic (1). 1 of the submissions does not count toward it. Last evaluated 2022-04-12.

Conditions:
Citrullinemia type I (CTNL1). Also called: argininosuccinate synthetase deficiency; ASS DEFICIENCY. Identifiers: Orphanet 247525, MedGen C4721769, MONDO:0008988, OMIM 215700.
Citrullinemia. Identifiers: Orphanet 187, MedGen C0175683, MONDO:0015991.

Submissions (2):

Labcorp Genetics (formerly Invitae), Labcorp
Classification: Pathogenic for Citrullinemia. Last evaluated: 2022-04-12. Review status: criteria provided, single submitter. Criteria: Invitae Variant Classification Sherloc (09022015). Collection method: clinical testing. Allele origin: germline.
Comment: For these reasons, this variant has been classified as Pathogenic. Algorithms developed to predict the effect of sequence changes on RNA splicing suggest that this variant may disrupt the consensus splice site. This sequence change creates a premature translational stop signal (p.Asn123Thrfs*17) in the ASS1 gene. It is expected to result in an absent or disrupted protein product. Loss-of-function variants in ASS1 are known to be pathogenic (PMID: 18473344, 19006241). This variant is not present in population databases (gnomAD no frequency). This variant has not been reported in the literature in individuals affected with ASS1-related conditions. ClinVar contains an entry for this variant (Variation ID: 370508).

Counsyl
Classification: Likely pathogenic for Citrullinemia type I. Last evaluated: 2016-02-25. Review status: no assertion criteria provided. Collection method: clinical testing. Allele origin: unknown. Not counted in ClinVar's aggregate classification.

Literature cited by the submitters: PubMed 18473344 (cited by Labcorp Genetics (formerly Invitae), Labcorp); PubMed 19006241 (cited by Labcorp Genetics (formerly Invitae), Labcorp).

NM_000050.4(ASS1):c.366delG

Gene: ASS1 (argininosuccinate synthase 1; plus strand). Cytogenetic location: 9q34.11.
Variant type: Deletion.
Coding change: c.366delG on transcript NM_000050.4; coding-DNA position 366, one base deleted (G).
Molecular consequence: splice acceptor variant.
Genome position (GRCh38, 1-based): chr9:130,464,113, G deleted; the last of 4 consecutive G bases (chr9:130,464,110-130,464,113); deleting any one gives the same sequence. VCF-style (leftmost placement, unchanged base first): chr9-130464109-AG-A. GRCh37 (hg19) VCF-style: chr9-133339496-AG-A.
Identifiers: ClinVar variation 370508 (VCV000370508.10), dbSNP rs1057516544, ClinGen allele CA16041299.